The following is an entry in ClinVar:

ClinVar aggregate classification (germline): Uncertain significance. Review status: criteria provided, multiple submitters, no conflicts (2 of 4 stars). 5 submissions from 5 submitters: Uncertain significance (5). Last evaluated 2026-01-04.

Conditions:
Familial thoracic aortic aneurysm and aortic dissection (TAAD). Also called: Thoracic aortic aneurysms and dissections. Identifiers: Orphanet 91387, MedGen C4707243, MONDO:0019625.
Multisystemic smooth muscle dysfunction syndrome (SMDYS). Also called: MYDRIASIS, CONGENITAL, WITH PATENT DUCTUS ARTERIOSUS, THORACIC AORTIC ANEURYSM, AND VASCULOPATHY; SMOOTH MUSCLE DYSFUNCTION SYNDROME. Identifiers: Orphanet 404463, MedGen C3151201, MONDO:0013452, OMIM 613834.
Aortic aneurysm, familial thoracic 6 (AAT6). Also called: FAMILIAL THORACIC AORTIC ANEURYSM WITH LIVEDO RETICULARIS AND IRIS FLOCCULI. Identifiers: MedGen C2673186, MONDO:0012730, OMIM 611788.

Submissions (5):

Labcorp Genetics (formerly Invitae), Labcorp
Classification: Uncertain significance for Aortic aneurysm, familial thoracic 6. Last evaluated: 2026-01-04. Review status: criteria provided, single submitter. Criteria: Invitae Variant Classification Sherloc (09022015). Collection method: clinical testing. Allele origin: germline.
Comment: This sequence change creates a premature translational stop signal (p.Ser340Cysfs*26) in the ACTA2 gene. While this is not anticipated to result in nonsense mediated decay, it is expected to disrupt the last 38 amino acid(s) of the ACTA2 protein. This variant is not present in population databases (gnomAD no frequency). This premature translational stop signal has been observed in individuals with clinical features of thoracic aortic aneurysm and dissection (PMID: 21937134; internal data). Experimental studies and prediction algorithms are not available or were not evaluated, and the functional significance of this variant is currently unknown. In summary, the available evidence is currently insufficient to determine the role of this variant in disease. Therefore, it has been classified as a Variant of Uncertain Significance.

Women's Health and Genetics/Laboratory Corporation of America, LabCorp
Classification: Uncertain significance. Last evaluated: 2025-07-14. Review status: criteria provided, single submitter. Criteria: LabCorp Variant Classification Summary - May 2015. Collection method: clinical testing. Allele origin: germline.
Comment: Variant summary: ACTA2 c.1019_1020delCT (p.Ser340CysfsX26) results in a premature termination codon, predicted to cause a truncation of the encoded protein or absence of the protein due to nonsense mediated decay, which are commonly known mechanisms for disease. The variant was absent in 251194 control chromosomes. The available data on variant occurrences in the general population are insufficient to allow any conclusion about variant significance. c.1019_1020delCT has been observed in individual(s) affected with thoracic aortic aneurysm and dissection (example: Renard_2013, internal data). These data do not allow any conclusion about variant significance. To our knowledge, no experimental evidence demonstrating an impact on protein function has been reported. The following publications have been ascertained in the context of this evaluation (PMID: 21937134, 36053285). ClinVar contains an entry for this variant (Variation ID: 199682). Based on the evidence outlined above, the variant was classified as uncertain significance.

Ambry Genetics
Classification: Uncertain significance for Familial thoracic aortic aneurysm and aortic dissection. Last evaluated: 2025-05-15. Review status: criteria provided, single submitter. Criteria: Ambry Variant Classification Scheme 2023. Collection method: clinical testing. Allele origin: germline.
Comment: The c.1019_1020delCT variant, located in coding exon 8 of the ACTA2 gene, results from a deletion of two nucleotides at nucleotide positions 1019 to 1020, causing a translational frameshift with a predicted alternate stop codon (p.S340Cfs*26). This variant was reported in individual(s) with features consistent with ACTA2-related vascular disorders (Renard M et al. Int J Cardiol, 2013 May;165:314-21; van den Bersselaar LM et al. Genet Med, 2022 Oct;24:2112-2122; Ambry internal data). This alteration occurs at the 3' terminus of theACTA2 gene, is not expected to trigger nonsense-mediated mRNAdecay, and impacts the last 10% of the protein. The exact functional effect of this alteration is unknown. In addition, loss of function of ACTA2 has not been established as a mechanism of disease. Based on the available evidence, the clinical significance of this alteration remains unclear.

Color Diagnostics, LLC DBA Color Health
Classification: Uncertain significance for Familial thoracic aortic aneurysm and aortic dissection. Last evaluated: 2023-07-25. Review status: criteria provided, single submitter. Criteria: ACMG Guidelines, 2015. Collection method: clinical testing. Allele origin: germline.
Comment: This variant deletes 2 nucleotides in exon 9 of the ACTA2 gene, creating a frameshift and premature translation stop signal in the last exon. This mutant transcript is predicted to escape nonsense-mediated decay and be expressed as a truncated protein. This variant has been reported in an individual affected with familial thoracic aortic aneurysm and dissection (PMID: 21937134) and in an individual affected with both thoracic aortic aneurysm and dissection and atrial septal defect (PMID: 36053285). This variant has not been identified in the general population by the Genome Aggregation Database (gnomAD). The available evidence is insufficient to determine the role of this variant in disease conclusively. Therefore, this variant is classified as a Variant of Uncertain Significance.

Baylor Genetics
Classification: Uncertain significance for Multisystemic smooth muscle dysfunction syndrome. Last evaluated: 2022-11-06. Review status: criteria provided, single submitter. Criteria: ACMG Guidelines, 2015. Collection method: clinical testing. Allele origin: unknown.

Literature cited by the submitters: PubMed 21937134 (cited by 4 submitters); PubMed 36053285 (cited by 3 submitters).

NM_001613.4(ACTA2):c.1019_1020del (p.Ser340fs)

Genes: ACTA2 (actin alpha 2, smooth muscle; minus strand), ACTA2-AS1 (ACTA2 antisense RNA 1; plus strand). Cytogenetic location: 10q23.31.
Variant type: Microsatellite.
Coding change: c.1019_1020del on transcript NM_001613.4 (MANE Select); coding-DNA positions 1019 to 1020, 2 bases deleted (CT; older notation c.1019_1020delCT).
Protein change: p.Ser340fs; shifts the reading frame from serine 340.
Molecular consequence: frameshift variant. On other transcripts: non-coding transcript variant (1).
Genome position (GRCh38, 1-based): chr10:88,935,337-88,935,338, AG deleted on the plus strand (CT on the coding strand, the reverse complement: ACTA2 is on the minus strand); deleting any 2 consecutive bases within chr10:88,935,337-88,935,340 gives the same sequence; the c. name uses the placement nearest the transcript's 3' end. VCF-style (leftmost placement, unchanged base first): chr10-88935336-CAG-C. GRCh37 (hg19) VCF-style: chr10-90695093-CAG-C.
Other names: c.1019_1020delCT (NM_001613.2, NM_001613.4); c.1017_1018CT[1], p.Ser340Cysfs (NM_001141945.3, NM_001320855.2, NM_001406462.1 and 3 more transcripts); c.906_907CT[1], p.Ser303Cysfs (NM_001406466.1); c.888_889CT[1], p.Ser297Cysfs (NM_001406467.1, NM_001406468.1, NM_001406469.1); c.825_826CT[1], p.Ser276Cysfs (NM_001406471.1); short protein forms S340fs.
Identifiers: ClinVar variation 199682 (VCV000199682.17), dbSNP rs794728034, ClinGen allele CA006793.
Genomic context (GRCh38, chr10:88,935,336, plus strand): 5'-TGCTGATCCACATCTGCTGGAAGGTGGACAGAGAGGCCAGGATGGAGCCACCGATCCAGA[CAG>C]AGTATTTGCGCTCCGGAGGGGCAATGATCTGTCAGTCAAGATGAAAAAGAATGGTCATTA-3'